The following is an entry in ClinVar:

NM_032043.3(BRIP1):c.1594del (p.Met532fs)

Gene: BRIP1 (BRCA1 interacting DNA helicase 1; minus strand). Cytogenetic location: 17q23.2.
Variant type: Deletion.
Coding change: c.1594del on transcript NM_032043.3 (MANE Select); coding-DNA position 1594, one base deleted (A; older notation c.1594delA).
Protein change: p.Met532fs; shifts the reading frame from methionine 532.
Molecular consequence: frameshift variant.
Genome position (GRCh38, 1-based): chr17:61,784,304, T deleted on the plus strand (A on the coding strand, the reverse complement: BRIP1 is on the minus strand). VCF-style (leftmost placement, unchanged base first): chr17-61784303-AT-A. GRCh37 (hg19) VCF-style: chr17-59861664-AT-A.
Other names: short protein forms M532fs.
Identifiers: ClinVar variation 2584214 (VCV002584214.2), dbSNP rs2545052436, ClinGen allele CA2582342288.

ClinVar aggregate classification (germline): Pathogenic (1 of 4 stars; one submission).

Conditions:
Familial cancer of breast. Also called: BREAST CANCER, FAMILIAL; hereditary breast carcinoma; Hereditary breast cancer. Identifiers: Orphanet 227535, MedGen C0346153, MONDO:0016419, OMIM 114480. Disease mechanism: loss of function.

Submission:

Myriad Genetics, Inc.
Classification: Pathogenic for Familial cancer of breast. Last evaluated: 2023-06-02. Review status: criteria provided, single submitter. Criteria: Myriad Autosomal Dominant, Autosomal Recessive and X-Linked Classification Criteria (2023). Collection method: clinical testing. Allele origin: unknown.
Comment: This variant is considered pathogenic. This variant creates a frameshift predicted to result in premature protein truncation.